The following is an entry in ClinVar:

NM_001853.4(COL9A3):c.374A>G (p.Glu125Gly)

Gene: COL9A3 (collagen type IX alpha 3 chain; plus strand). Cytogenetic location: 20q13.33.
Variant type: single nucleotide variant.
Coding change: c.374A>G on transcript NM_001853.4 (MANE Select); coding-DNA position 374, A replaced by G.
Protein change: p.Glu125Gly; replaces glutamic acid 125 with glycine.
Molecular consequence: missense variant.
Genome position (GRCh38, 1-based): chr20:62,821,761, A>G. VCF-style: chr20-62821761-A-G. GRCh37 (hg19) VCF-style: chr20-61453113-A-G.
Other names: c.374A>G (NM_001853.3); short protein forms E125G.
Identifiers: ClinVar variation 2075989 (VCV002075989.5), dbSNP rs2516029828, ClinGen allele CA409588411.
Genomic context (GRCh38, chr20:62,821,761, plus strand): 5'-GGGATCCTCGGGGCTTCCGGGTGCAGACCTCCCCACCTCTCTTTACTTCCCTCCAGGGAG[A>G]GGCAGGAGTGAGCGGCCCCCCAGGTGGGATCGGCCTCCGCGGCCCCCCGGTGAGTGGCTG-3'
Protein context (NP_001844.3, residues 115-135): GGKGLPGPPG[Glu125Gly]AGVSGPPGGI

ClinVar aggregate classification (germline): Uncertain significance. Review status: criteria provided, multiple submitters, no conflicts (2 of 4 stars). 2 submissions from 2 submitters: Uncertain significance (2). Last evaluated 2025-09-15.

Allele frequency attached by ClinVar (database versions not stated): gnomAD exomes below 0.00001.

Submissions (2):

Labcorp Genetics (formerly Invitae), Labcorp
Classification: Uncertain significance. Last evaluated: 2025-09-15. Review status: criteria provided, single submitter. Criteria: Invitae Variant Classification Sherloc (09022015). Collection method: clinical testing. Allele origin: germline.
Comment: This sequence change replaces glutamic acid, which is acidic and polar, with glycine, which is neutral and non-polar, at codon 125 of the COL9A3 protein (p.Glu125Gly). This variant is not present in population databases (gnomAD no frequency). This variant has not been reported in the literature in individuals affected with COL9A3-related conditions. ClinVar contains an entry for this variant (Variation ID: 2075989). Invitae Evidence Modeling of protein sequence and biophysical properties (such as structural, functional, and spatial information, amino acid conservation, physicochemical variation, residue mobility, and thermodynamic stability) indicates that this missense variant is not expected to disrupt COL9A3 protein function with a negative predictive value of 95%. In summary, the available evidence is currently insufficient to determine the role of this variant in disease. Therefore, it has been classified as a Variant of Uncertain Significance.

GeneDx
Classification: Uncertain significance. Last evaluated: 2024-07-17. Review status: criteria provided, single submitter. Criteria: GeneDx Variant Classification Process June 2021. Collection method: clinical testing. Allele origin: germline. Affected: yes.
Comment: Has not been previously published as pathogenic or benign to our knowledge; Not observed at significant frequency in large population cohorts (gnomAD); In silico analysis supports that this missense variant has a deleterious effect on protein structure/function